The following is an entry in ClinVar:

ClinVar aggregate classification (germline): Conflicting classifications of pathogenicity. Review status: criteria provided, conflicting classifications (1 of 4 stars). 7 submissions from 6 submitters: Uncertain significance (1); Likely benign (5). 1 of the submissions does not count toward it. Last evaluated 2026-06-07.

Conditions:
BSCL2-related disorder. Also called: BSCL2-related condition; BSCL2-Related Disorders.
Inborn genetic diseases. Identifiers: MedGen C0950123, MeSH D030342.
Charcot-Marie-Tooth disease type 2. Also called: Charcot-Marie-Tooth type 2. Identifiers: Orphanet 64746, MedGen C0270914, MONDO:0018993.
Congenital generalized lipodystrophy type 2 (CGL2). Also called: BERARDINELLI SYNDROME; BRUNZELL SYNDROME, BSCL2-RELATED; Berardinelli-Seip Congenital Lipodystrophy Type 2; SEIP SYNDROME. Identifiers: Orphanet 528, Orphanet 696289, MedGen C1720863, MONDO:0010020, OMIM 269700.
Neuronopathy, distal hereditary motor, type 5A (HMND5). Also called: Distal Spinal Muscular Atrophy V (dSMA-V); Distal Spinal Muscular Atrophy V; DHMN VA; NEURONOPATHY, DISTAL HEREDITARY MOTOR, AUTOSOMAL DOMINANT 5. Identifiers: Orphanet 139536, MedGen CN031873, MONDO:0015353, OMIM 600794.

Allele frequency attached by ClinVar (database versions not stated): TOPMed 0.00004; 1000 Genomes Project 30x 0.00031; 1000 Genomes Project 0.00040.
gnomAD v4.1: 41 of 1,613,816 alleles (0.0025%); highest among the groups gnomAD compares: African/African-American, 0.008%; no homozygotes.

Submissions (7):

PreventionGenetics, part of Exact Sciences
Classification: Uncertain significance for BSCL2-related condition. Last evaluated: 2026-06-07. Review status: criteria provided, single submitter. Criteria: ACMG Guidelines, 2015. Collection method: clinical testing. Allele origin: germline.
Comment: The BSCL2 c.833C>T variant is predicted to result in the amino acid substitution p.Pro278Leu. Of note, this variant can also be referred to as c.975C>T (p.=) with alternative isoform, NM_032667. To our knowledge, this variant has not been reported in the literature. This variant is reported in 0.013% of alleles in individuals of African descent in gnomAD. At this time, the clinical significance of this variant is uncertain due to the absence of conclusive functional and genetic evidence.

Labcorp Genetics (formerly Invitae), Labcorp
Classification: Likely benign for Charcot-Marie-Tooth disease type 2. Last evaluated: 2025-12-25. Review status: criteria provided, single submitter. Criteria: Invitae Variant Classification Sherloc (09022015). Collection method: clinical testing. Allele origin: germline.

Women's Health and Genetics/Laboratory Corporation of America, LabCorp
Classification: Likely benign. Last evaluated: 2025-05-05. Review status: criteria provided, single submitter. Criteria: LabCorp Variant Classification Summary - May 2015. Collection method: clinical testing. Allele origin: germline.

Ambry Genetics
Classification: Likely benign for Inborn genetic diseases. Last evaluated: 2024-10-19. Review status: criteria provided, single submitter. Criteria: Ambry Variant Classification Scheme 2023. Collection method: clinical testing. Allele origin: germline.

Illumina Laboratory Services, Illumina
Classification: Likely benign for Congenital generalized lipodystrophy type 2. Last evaluated: 2017-04-28. Review status: criteria provided, single submitter. Criteria: ICSL Variant Classification Criteria 13 December 2019. Collection method: clinical testing. Allele origin: germline.
Comment: This variant was observed as part of a predisposition screen in an ostensibly healthy population. A literature search was performed for the gene, cDNA change, and amino acid change (where applicable). No publications were found based on this search. Allele frequency data from public databases allowed determination this variant is unlikely to cause disease. Therefore, this variant is classified as likely benign.

Illumina Laboratory Services, Illumina
Classification: Likely benign for Neuronopathy, distal hereditary motor, type 5A. Last evaluated: 2017-04-28. Review status: criteria provided, single submitter. Criteria: ICSL Variant Classification Criteria 13 December 2019. Collection method: clinical testing. Allele origin: germline.
Comment: the same text as in the submission from Illumina Laboratory Services, Illumina above.

Northcott Neuroscience Laboratory, ANZAC Research Institute
Classification: Benign. Review status: no assertion criteria provided. Collection method: not provided. Allele origin: unknown. Not counted in ClinVar's aggregate classification.
Comment: HMNP
ClinVar note: Converted during submission from non-pathogenic to Benign.

NM_001122955.4(BSCL2):c.1167C>T (p.Ser389=)

Genes: BSCL2 (BSCL2 lipid droplet biogenesis associated, seipin; minus strand), HNRNPUL2-BSCL2 (HNRNPUL2-BSCL2 readthrough (NMD candidate); minus strand). Cytogenetic location: 11q12.3.
Variant type: single nucleotide variant.
Coding change: c.1167C>T on transcript NM_001122955.4 (MANE Select); coding-DNA position 1167, C replaced by T.
Protein change: p.Ser389=; no amino-acid change (serine 389 retained).
Molecular consequence: synonymous variant. On other transcripts: missense variant (1), non-coding transcript variant (1).
Genome position (GRCh38, 1-based): chr11:62,690,679, G>A on the plus strand (C>T on the coding strand, the complement: BSCL2 is on the minus strand). VCF-style: chr11-62690679-G-A. GRCh37 (hg19) VCF-style: chr11-62458151-G-A.
Other names: c.833C>T, p.Pro278Leu (NM_001130702.2); c.1173C>T, p.Ser391= (NM_001386027.1); c.1167C>T, p.Ser389= (NM_001386028.1); c.975C>T, p.Ser325= (NM_032667.6); short protein forms P278L.
Identifiers: ClinVar variation 155731 (VCV000155731.20), dbSNP rs17850877, ClinGen allele CA233055.
Genomic context (GRCh38, chr11:62,690,679, plus strand): 5'-GGCCTCAGGCTCTAGCTCCTCTTCTCCGCTCAGGGGCTGCTGATCTGGTTTCTCCTCCTC[G>A]GACAGCTGACCCTCTGCAGCCAAAAGGGGAATGCAGGGGTCAGACCCAGACACTGAAGGA-3'
Protein context (NP_001116427.1, residues 379-399): EDPSGTEGQL[Ser389=]EEEKPDQQPL